The following is an entry in ClinVar:

ClinVar aggregate classification (germline): Likely pathogenic (1 of 4 stars; one submission).

Conditions:
Hereditary spastic paraplegia 8 (SPG8). Also called: SPASTIC PARAPLEGIA 8, AUTOSOMAL DOMINANT. Identifiers: Orphanet 100989, MedGen C1863704, MONDO:0011339, OMIM 603563.

Submission:

Baylor Genetics
Classification: Likely pathogenic for Hereditary spastic paraplegia 8. Last evaluated: 2019-06-28. Review status: criteria provided, single submitter. Criteria: ACMG Guidelines, 2015. Collection method: clinical testing. Allele origin: de novo. Affected: yes.
Comment: This variant was determined to be likely pathogenic according to ACMG Guidelines, 2015 [PMID:25741868].

NM_014846.4(WASHC5):c.3424-1G>T

Gene: WASHC5 (WASH complex subunit 5; minus strand). Cytogenetic location: 8q24.13.
Variant type: single nucleotide variant.
Coding change: c.3424-1G>T on transcript NM_014846.4 (MANE Select); the canonical splice acceptor site of the intron before coding-DNA position 3424, G replaced by T.
Molecular consequence: splice acceptor variant.
Genome position (GRCh38, 1-based): chr8:125,024,674, C>A on the plus strand (G>T on the coding strand, the complement: WASHC5 is on the minus strand). VCF-style: chr8-125024674-C-A. GRCh37 (hg19) VCF-style: chr8-126036916-C-A.
Other names: c.2980-1G>T (NM_001330609.2).
Identifiers: ClinVar variation 1030376 (VCV001030376.1), dbSNP rs1815322920, ClinGen allele CA372178103.